The following is an entry in ClinVar:

ClinVar aggregate classification (germline): Conflicting classifications of pathogenicity. Review status: criteria provided, conflicting classifications (1 of 4 stars). 8 submissions from 8 submitters: Uncertain significance (7); Likely benign (1). Last evaluated 2025-09-22.

Conditions:
Cardiofaciocutaneous syndrome 4 (CFC4). Also called: MAP2K2-Related Cardiofaciocutaneous Syndrome. Identifiers: Orphanet 1340, MedGen C3809007, MONDO:0014114, OMIM 615280.
RASopathy. Also called: Noonan spectrum disorder; rasopathies. Identifiers: Orphanet 536391, MedGen C5555857, MONDO:0021060.
Cardiovascular phenotype. Identifiers: MedGen CN230736.

Allele frequency attached by ClinVar (database versions not stated): gnomAD 0.00001; TOPMed 0.00001; ExAC 0.00004.
gnomAD v4.1: 10 of 1,606,586 alleles (0.00062%); highest among the groups gnomAD compares: African/African-American, 0.0027%; no homozygotes.

Submissions (8):

Ambry Genetics
Classification: Uncertain significance for Cardiovascular phenotype. Last evaluated: 2025-09-22. Review status: criteria provided, single submitter. Criteria: Ambry Variant Classification Scheme 2023. Collection method: clinical testing. Allele origin: germline.

Labcorp Genetics (formerly Invitae), Labcorp
Classification: Uncertain significance for RASopathy. Last evaluated: 2025-09-14. Review status: criteria provided, single submitter. Criteria: Invitae Variant Classification Sherloc (09022015). Collection method: clinical testing. Allele origin: germline.
Comment: This sequence change replaces alanine, which is neutral and non-polar, with threonine, which is neutral and polar, at codon 272 of the MAP2K2 protein (p.Ala272Thr). The frequency data for this variant in the population databases is considered unreliable, as metrics indicate poor data quality at this position in the gnomAD database. This variant has not been reported in the literature in individuals affected with MAP2K2-related conditions. ClinVar contains an entry for this variant (Variation ID: 424075). Invitae Evidence Modeling of protein sequence and biophysical properties (such as structural, functional, and spatial information, amino acid conservation, physicochemical variation, residue mobility, and thermodynamic stability) indicates that this missense variant is not expected to disrupt MAP2K2 protein function with a negative predictive value of 95%. In summary, the available evidence is currently insufficient to determine the role of this variant in disease. Therefore, it has been classified as a Variant of Uncertain Significance.

ARUP Laboratories, Molecular Genetics and Genomics, ARUP Laboratories
Classification: Uncertain significance for Cardiofaciocutaneous syndrome 4. Last evaluated: 2023-06-27. Review status: criteria provided, single submitter. Criteria: ARUP Molecular Germline Variant Investigation Process 2024. Collection method: clinical testing. Allele origin: germline.
Comment: The MAP2K2 c.814G>A; p.Ala272Thr variant (rs757240576), to our knowledge, is not reported in the medical literature but is reported in ClinVar (Variation ID: 424075). This variant is observed in the general population with an overall allele frequency of 0.002% (4/233976 alleles) in the Genome Aggregation Database. Computational analyses predict that this variant is neutral (REVEL: 0.058). Due to limited information, the clinical significance of this variant is uncertain at this time.

St. Jude Molecular Pathology, St. Jude Children's Research Hospital
Classification: Uncertain significance for Cardiofaciocutaneous syndrome 4. Last evaluated: 2022-12-19. Review status: criteria provided, single submitter. Criteria: St. Jude Assertion Criteria 2020. Collection method: clinical testing. Allele origin: germline.
Comment: The MAP2K2 c.814G>A (p.Ala272Thr) missense change has a maximum subpopulation frequency of 0.0071% in gnomAD v2.1.1. The in silico tool REVEL predicts a benign effect on protein function, but to our knowledge this prediction has not been confirmed by functional studies. To our knowledge, this variant has not been reported in individuals with cardiofaciocutanous syndrome. In summary, the evidence currently available is insufficient to determine the clinical significance of this variant. It has therefore been classified as of uncertain significance.?

Revvity Omics, Revvity
Classification: Uncertain significance for Cardiofaciocutaneous syndrome 4. Last evaluated: 2022-09-28. Review status: criteria provided, single submitter. Criteria: ACMG Guidelines, 2015. Collection method: clinical testing. Allele origin: germline.

Blueprint Genetics
Classification: Uncertain significance. Last evaluated: 2021-09-02. Review status: criteria provided, single submitter. Criteria: ACMG Guidelines, 2015. Collection method: clinical testing. Allele origin: germline.

GeneDx
Classification: Likely benign. Last evaluated: 2020-12-14. Review status: criteria provided, single submitter. Criteria: GeneDx Variant Classification Process June 2021. Collection method: clinical testing. Allele origin: germline. Affected: yes.

Laboratory for Molecular Medicine, Mass General Brigham Personalized Medicine
Classification: Uncertain significance. Last evaluated: 2018-03-06. Review status: criteria provided, single submitter. Criteria: LMM Criteria. Collection method: clinical testing. Allele origin: germline.
Comment: Disclaimer: This variant has not undergone full assessment. The following are preliminary notes: GnomAd 19:4099304 C / T: Total 4/230480; not well conserved Platypus, Naked_mole rat, and Zebra_mbuna(fish) have threonine; Not in Pubmed, Google search or HGMD; VUS by GeneDx in ClinVar; benign by polyphen

NM_030662.4(MAP2K2):c.814G>A (p.Ala272Thr)

Gene: MAP2K2 (mitogen-activated protein kinase kinase 2; minus strand). Cytogenetic location: 19p13.3.
Variant type: single nucleotide variant.
Coding change: c.814G>A on transcript NM_030662.4 (MANE Select); coding-DNA position 814, G replaced by A.
Protein change: p.Ala272Thr; replaces alanine 272 with threonine.
Molecular consequence: missense variant.
Genome position (GRCh38, 1-based): chr19:4,099,306, C>T on the plus strand (G>A on the coding strand, the complement: MAP2K2 is on the minus strand). VCF-style: chr19-4099306-C-T. GRCh37 (hg19) VCF-style: chr19-4099304-C-T.
Other names: short protein forms A272T.
Identifiers: ClinVar variation 424075 (VCV000424075.19), dbSNP rs757240576, ClinGen allele CA9090824.
Genomic context (GRCh38, chr19:4,099,306, plus strand): 5'-GAGGCTCTCCTTCTTCCCCGTCGACCACGGGCCGGCCAAAGATGGCCTCCAGCTCTTTGG[C>T]GTCGGGCGGGGGGATGGGGTACCTTCCGACGGCCAGCTCCACCAGGGACAGGCCCATGCT-3'
Protein context (NP_109587.1, residues 262-282): VGRYPIPPPD[Ala272Thr]KELEAIFGRP